The following is an entry in ClinVar:

NM_001191057.4(PDE1C):c.134G>A (p.Arg45Gln)

Gene: PDE1C (phosphodiesterase 1C; minus strand). Cytogenetic location: 7p14.3.
Variant type: single nucleotide variant.
Coding change: c.134G>A on transcript NM_001191057.4 (MANE Select); coding-DNA position 134, G replaced by A.
Protein change: p.Arg45Gln; replaces arginine 45 with glutamine.
Molecular consequence: missense variant.
Genome position (GRCh38, 1-based): chr7:31,880,855, C>T on the plus strand (G>A on the coding strand, the complement: PDE1C is on the minus strand). VCF-style: chr7-31880855-C-T. GRCh37 (hg19) VCF-style: chr7-31920468-C-T.
Other names: DFNA74; c.134G>A, p.Arg45Gln (NM_001191056.3, NM_001191059.4, NM_001322055.2 and 3 more transcripts); c.314G>A, p.Arg105Gln (NM_001191058.4, NM_001322058.2); c.539G>A, p.Arg180Gln (NM_001322059.2); c.314G>A (NM_001191058.1); short protein forms R105Q, R180Q, R45Q.
Identifiers: ClinVar variation 2681474 (VCV002681474.3), dbSNP rs775258741.

ClinVar aggregate classification (germline): Uncertain significance. Review status: criteria provided, multiple submitters, no conflicts (2 of 4 stars). 3 submissions from 3 submitters: Uncertain significance (2). 1 of the submissions does not count toward it. Last evaluated 2025-04-29.

Conditions:
Hearing loss, autosomal dominant 74. Also called: DEAFNESS, AUTOSOMAL DOMINANT 74. Identifiers: MedGen C4748334, MONDO:0029137, OMIM 618140.
EBV-positive nodal T- and NK-cell lymphoma.

Allele frequency attached by ClinVar (database versions not stated): gnomAD 0.00001; TOPMed 0.00001; ExAC 0.00002.
gnomAD v4.1: 26 of 1,580,262 alleles (0.0016%); highest among the groups gnomAD compares: South Asian, 0.016%; no homozygotes.

Submissions (3):

Ambry Genetics
Classification: Uncertain significance. Last evaluated: 2025-04-29. Review status: criteria provided, single submitter. Criteria: Ambry Variant Classification Scheme 2023. Collection method: clinical testing. Allele origin: germline.

Laboratory of Prof. Karen Avraham, Tel Aviv University
Classification: Uncertain significance for Hearing loss, autosomal dominant 74. Last evaluated: 2024-12-26. Review status: criteria provided, single submitter. Criteria: ACMG Guidelines, 2015. Collection method: research. Allele origin: germline. Affected: yes. Observed: 1 variant allele.
Comment: The PDE1C c.134G>A:p.(Arg45Gln) heterozygous variant is very rare and predicted deleterious.

Department of Clinical Pathology, School of Medicine, Fujita Health University
Classification: Likely benign for EBV-positive nodal T- and NK-cell lymphoma. Review status: no assertion criteria provided. Collection method: research. Allele origin: unknown. Affected: yes. Not counted in ClinVar's aggregate classification.